The following is an entry in ClinVar:

ClinVar aggregate classification (germline): Uncertain significance (1 of 4 stars; one submission).

Conditions:
Autosomal recessive distal spinal muscular atrophy 1. Also called: Spinal muscular atrophy with respiratory distress 1; NEURONOPATHY, DISTAL HEREDITARY MOTOR, HARDING TYPE VI; NEUROPATHY, DISTAL HEREDITARY MOTOR, AUTOSOMAL RECESSIVE 1; NEURONOPATHY, SEVERE INFANTILE AXONAL, WITH RESPIRATORY FAILURE; HMN VI; SEVERE INFANTILE AXONAL NEUROPATHY WITH RESPIRATORY FAILURE. Identifiers: Orphanet 98920, MedGen C1858517, MONDO:0011436, OMIM 604320.
Charcot-Marie-Tooth disease axonal type 2S. Also called: CHARCOT-MARIE-TOOTH DISEASE, AXONAL, AUTOSOMAL RECESSIVE, TYPE 2S; CHARCOT-MARIE-TOOTH NEUROPATHY, TYPE 2S. Identifiers: Orphanet 443073, MedGen C4015349, MONDO:0014511, OMIM 616155.

Allele frequency attached by ClinVar (database versions not stated): gnomAD exomes below 0.00001.
gnomAD v4.1: 4 of 1,607,110 alleles (0.00025%); highest among the groups gnomAD compares: East Asian, 0.0022%; no homozygotes.

Submission:

Labcorp Genetics (formerly Invitae), Labcorp
Classification: Uncertain significance for Autosomal recessive distal spinal muscular atrophy 1; Charcot-Marie-Tooth disease axonal type 2S. Last evaluated: 2021-08-27. Review status: criteria provided, single submitter. Criteria: Invitae Variant Classification Sherloc (09022015). Collection method: clinical testing. Allele origin: germline.
Comment: This sequence change replaces proline with serine at codon 809 of the IGHMBP2 protein (p.Pro809Ser). The proline residue is weakly conserved and there is a moderate physicochemical difference between proline and serine. This variant is not present in population databases (ExAC no frequency). This variant has not been reported in the literature in individuals affected with IGHMBP2-related conditions. Algorithms developed to predict the effect of missense changes on protein structure and function (SIFT, PolyPhen-2, Align-GVGD) all suggest that this variant is likely to be tolerated. In summary, the available evidence is currently insufficient to determine the role of this variant in disease. Therefore, it has been classified as a Variant of Uncertain Significance.

NM_002180.3(IGHMBP2):c.2425C>T (p.Pro809Ser)

Gene: IGHMBP2 (immunoglobulin mu DNA binding protein 2; plus strand). Cytogenetic location: 11q13.3.
Variant type: single nucleotide variant.
Coding change: c.2425C>T on transcript NM_002180.3 (MANE Select); coding-DNA position 2425, C replaced by T.
Protein change: p.Pro809Ser; replaces proline 809 with serine.
Molecular consequence: missense variant.
Genome position (GRCh38, 1-based): chr11:68,936,905, C>T. VCF-style: chr11-68936905-C-T. GRCh37 (hg19) VCF-style: chr11-68704373-C-T.
Other names: short protein forms P809S.
Identifiers: ClinVar variation 1063316 (VCV001063316.6), dbSNP rs1464851091, ClinGen allele CA381653595.
Genomic context (GRCh38, chr11:68,936,905, plus strand): 5'-CCCCGAGCAGCCCTGGGACCCCCAGCAGGGACCGGTGGCCCAGCCCCTCTCCAGCCAGTG[C>T]CCCCTACCCCTGCGCAGACAGAGCAGCCTCCCAGGGAGCAGCGTGGCCCAGACCAGCCTG-3'
Protein context (NP_002171.2, residues 799-819): TGGPAPLQPV[Pro809Ser]PTPAQTEQPP